The following is an entry in ClinVar:

ClinVar aggregate classification (germline): Uncertain significance (1 of 4 stars; one submission).

gnomAD v4.1: 1 of 1,547,368 alleles (0.000065%); highest among the groups gnomAD compares: South Asian, 0.0012%; no homozygotes.

Submission:

Labcorp Genetics (formerly Invitae), Labcorp
Classification: Uncertain significance. Last evaluated: 2026-01-01. Review status: criteria provided, single submitter. Criteria: Invitae Variant Classification Sherloc (09022015). Collection method: clinical testing. Allele origin: germline.
Comment: This sequence change replaces valine, which is neutral and non-polar, with phenylalanine, which is neutral and non-polar, at codon 504 of the DTHD1 protein (p.Val504Phe). This variant is not present in population databases (gnomAD no frequency). This variant has not been reported in the literature in individuals affected with DTHD1-related conditions. An algorithm developed to predict the effect of missense changes on protein structure and function (PolyPhen-2) suggests that this variant is likely to be tolerated. In summary, the available evidence is currently insufficient to determine the role of this variant in disease. Therefore, it has been classified as a Variant of Uncertain Significance.

NM_001170700.3(DTHD1):c.2380G>T (p.Val794Phe)

Gene: DTHD1 (death domain containing 1; plus strand). Cytogenetic location: 4p14.
Variant type: single nucleotide variant.
Coding change: c.2380G>T on transcript NM_001170700.3 (MANE Select); coding-DNA position 2380, G replaced by T.
Protein change: p.Val794Phe; replaces valine 794 with phenylalanine.
Molecular consequence: missense variant. On other transcripts: non-coding transcript variant (1), intron variant (1).
Genome position (GRCh38, 1-based): chr4:36,339,151, G>T. VCF-style: chr4-36339151-G-T. GRCh37 (hg19) VCF-style: chr4-36340773-G-T.
Other names: c.1510G>T, p.Val504Phe (NM_001136536.5); c.1408-4351G>T (NM_001378435.1); short protein forms V504F, V794F.
Identifiers: ClinVar variation 4761180 (VCV004761180.1).